The following is an entry in ClinVar:

ClinVar aggregate classification (germline): Uncertain significance (1 of 4 stars; one submission).

Submission:

GeneDx
Classification: Uncertain significance. Last evaluated: 2024-09-24. Review status: criteria provided, single submitter. Criteria: GeneDx Variant Classification Process June 2021. Collection method: clinical testing. Allele origin: germline. Affected: yes.
Comment: Not observed at significant frequency in large population cohorts (gnomAD); In silico analysis indicates that this missense variant does not alter protein structure/function; Has not been previously published as pathogenic or benign to our knowledge

NM_002609.4(PDGFRB):c.2118C>G (p.Asp706Glu)

Gene: PDGFRB (platelet derived growth factor receptor beta; minus strand). Cytogenetic location: 5q32.
Variant type: single nucleotide variant.
Coding change: c.2118C>G on transcript NM_002609.4 (MANE Select); coding-DNA position 2118, C replaced by G.
Protein change: p.Asp706Glu; replaces aspartic acid 706 with glutamic acid.
Molecular consequence: missense variant.
Genome position (GRCh38, 1-based): chr5:150,123,107, G>C on the plus strand (C>G on the coding strand, the complement: PDGFRB is on the minus strand). VCF-style: chr5-150123107-G-C. GRCh37 (hg19) VCF-style: chr5-149502670-G-C.
Other names: c.1926C>G, p.Asp642Glu (NM_001355016.2); c.1635C>G, p.Asp545Glu (NM_001355017.2); short protein forms D545E, D642E, D706E.
Identifiers: ClinVar variation 3774188 (VCV003774188.1).